The following is an entry in ClinVar:

NM_006904.7(PRKDC):c.3465A>T (p.Arg1155=)

Gene: PRKDC (protein kinase, DNA-activated, catalytic subunit; minus strand). Cytogenetic location: 8q11.21.
Variant type: single nucleotide variant.
Coding change: c.3465A>T on transcript NM_006904.7 (MANE Select); coding-DNA position 3465, A replaced by T.
Protein change: p.Arg1155=; no amino-acid change (arginine 1155 retained).
Molecular consequence: synonymous variant.
Genome position (GRCh38, 1-based): chr8:47,897,294, T>A on the plus strand (A>T on the coding strand, the complement: PRKDC is on the minus strand). VCF-style: chr8-47897294-T-A. GRCh37 (hg19) VCF-style: chr8-48809854-T-A.
Other names: c.3465A>T, p.Arg1155= (NM_001081640.2).
Identifiers: ClinVar variation 1005010 (VCV001005010.6), dbSNP rs756110850, ClinGen allele CA4741165.

ClinVar aggregate classification (germline): Uncertain significance (1 of 4 stars; one submission).

Conditions:
Severe combined immunodeficiency due to DNA-PKcs deficiency. Also called: IMMUNODEFICIENCY 26 WITH NEUROLOGIC ABNORMALITIES; Immunodeficiency 26 with or without neurologic abnormalities. Identifiers: Orphanet 317425, MedGen C4014833, MONDO:0014423, OMIM 615966.

Allele frequency attached by ClinVar (database versions not stated): gnomAD exomes below 0.00001.
gnomAD v4.1: 2 of 1,579,484 alleles (0.00013%); highest among the groups gnomAD compares: Non-Finnish European, 0.000087%; no homozygotes.

Submission:

Labcorp Genetics (formerly Invitae), Labcorp
Classification: Uncertain significance for Severe combined immunodeficiency due to DNA-PKcs deficiency. Last evaluated: 2020-07-30. Review status: criteria provided, single submitter. Criteria: Invitae Variant Classification Sherloc (09022015). Collection method: clinical testing. Allele origin: germline.
Comment: In summary, the available evidence is currently insufficient to determine the role of this variant in disease. Therefore, it has been classified as a Variant of Uncertain Significance. Algorithms developed to predict the effect of sequence changes on RNA splicing suggest that this variant is not likely to affect RNA splicing, but this prediction has not been confirmed by published transcriptional studies. This variant has not been reported in the literature in individuals with PRKDC-related conditions. This variant is present in population databases (rs756110850, ExAC 0.002%). This sequence change affects codon 1155 of the PRKDC mRNA. It is a 'silent' change, meaning that it does not change the encoded amino acid sequence of the PRKDC protein.